The following is an entry in ClinVar:

NM_017780.4(CHD7):c.6290_6292del (p.Asp2097_Arg2098delinsGly)

Gene: CHD7 (chromodomain helicase DNA binding protein 7; plus strand). Cytogenetic location: 8q12.2.
Variant type: Deletion.
Coding change: c.6290_6292del on transcript NM_017780.4 (MANE Select); coding-DNA positions 6290 to 6292, 3 bases deleted (ACC; older notation c.6290_6292delACC).
Protein change: p.Asp2097_Arg2098delinsGly.
Molecular consequence: inframe indel. On other transcripts: intron variant (1).
Genome position (GRCh38, 1-based): chr8:60,853,015-60,853,017, ACC deleted. VCF-style (leftmost placement, unchanged base first): chr8-60853014-GACC-G. GRCh37 (hg19) VCF-style: chr8-61765573-GACC-G.
Other names: c.1717-9214_1717-9212del (NM_001316690.1).
Identifiers: ClinVar variation 4532201 (VCV004532201.1).
Genomic context (GRCh38, chr8:60,853,014, plus strand): 5'-AGGCTTAAGCTCTGCCAGCCAAGCTTGGATCTGCCAGAGTGGTGGGAGTGTGGACGGCAT[GACC>G]GAGACTTGCTGGTTGGTGCTGCTAAACACGGGGTCAGTCGGACGGATTATCACATCCTCA-3'

ClinVar aggregate classification (germline): Uncertain significance (1 of 4 stars; one submission).

Conditions:
Structural eye disease.

Submission:

Genetics Laboratory, Great Ormond Street Hospital NHS Foundation Trust, North Thames Genomic Laboratory Hub
Classification: Uncertain significance for Structural eye disease. Last evaluated: 2025-10-01. Review status: criteria provided, single submitter. Criteria: ACGS Best Practice Guidelines for Variant Classification in Rare Disease 2024 v1.2. Collection method: clinical testing. Allele origin: germline. Affected: yes.
Comment: PM2_moderate, PM4_moderate